The following is an entry in ClinVar:

NM_000338.3(SLC12A1):c.3008G>C (p.Ser1003Thr)

Gene: SLC12A1 (solute carrier family 12 member 1; plus strand). Cytogenetic location: 15q21.1.
Variant type: single nucleotide variant.
Coding change: c.3008G>C on transcript NM_000338.3 (MANE Select); coding-DNA position 3008, G replaced by C.
Protein change: p.Ser1003Thr; replaces serine 1003 with threonine.
Molecular consequence: missense variant.
Genome position (GRCh38, 1-based): chr15:48,299,187, G>C. VCF-style: chr15-48299187-G-C. GRCh37 (hg19) VCF-style: chr15-48591384-G-C.
Other names: c.3008G>C, p.Ser1003Thr (NM_001184832.2, NM_001384136.1); short protein forms S1003T.
Identifiers: ClinVar variation 4978037 (VCV004978037.1).
Genomic context (GRCh38, chr15:48,299,187, plus strand): 5'-ATTCAAATTTTAGCTGGAAAGTCTTTGAAGAGATGATTGAACCATATCGTCTCCATGAAA[G>C]CTGCAAAGATTTAACAACTGCTGAGAAATTAAAAAGAGAAACTCCGTGGAAAATTACAGA-3'
Protein context (NP_000329.2, residues 993-1013): EMIEPYRLHE[Ser1003Thr]CKDLTTAEKL

ClinVar aggregate classification (germline): Uncertain significance (1 of 4 stars; one submission).

Conditions:
SLC12A1-related disorder. Also called: SLC12A1-related condition.

gnomAD v4.1: 6 of 1,607,928 alleles (0.00037%); highest among the groups gnomAD compares: Non-Finnish European, 0.00051%; no homozygotes.

Submission:

PreventionGenetics, part of Exact Sciences
Classification: Uncertain significance for SLC12A1-related condition. Last evaluated: 2024-11-22. Review status: criteria provided, single submitter. Criteria: ACMG Guidelines, 2015. Collection method: clinical testing. Allele origin: germline.
Comment: The SLC12A1 c.3008G>C variant is predicted to result in the amino acid substitution p.Ser1003Thr. To our knowledge, this variant has not been reported in the literature or in a large population database (gnomAD), indicating this variant is rare. At this time, the clinical significance of this variant is uncertain due to the absence of conclusive functional and genetic evidence.